The following is an entry in ClinVar:

ClinVar aggregate classification (germline): Uncertain significance (1 of 4 stars; one submission).

gnomAD v4.1: 1 of 1,613,724 alleles (0.000062%); highest among the groups gnomAD compares: East Asian, 0.0022%; no homozygotes.

Submission:

GeneDx
Classification: Uncertain significance. Last evaluated: 2025-03-13. Review status: criteria provided, single submitter. Criteria: GeneDx Variant Classification Process June 2021. Collection method: clinical testing. Allele origin: germline. Affected: yes.
Comment: Not observed at significant frequency in large population cohorts (gnomAD); In silico analysis supports that this missense variant has a deleterious effect on protein structure/function; Has not been previously published as pathogenic or benign to our knowledge

NM_001127222.2(CACNA1A):c.138G>C (p.Arg46Ser)

Gene: CACNA1A (calcium voltage-gated channel subunit alpha1 A; minus strand). Cytogenetic location: 19p13.13.
Variant type: single nucleotide variant.
Coding change: c.138G>C on transcript NM_001127222.2 (MANE Select); coding-DNA position 138, G replaced by C.
Protein change: p.Arg46Ser; replaces arginine 46 with serine.
Molecular consequence: missense variant.
Genome position (GRCh38, 1-based): chr19:13,506,087, C>G on the plus strand (G>C on the coding strand, the complement: CACNA1A is on the minus strand). VCF-style: chr19-13506087-C-G. GRCh37 (hg19) VCF-style: chr19-13616901-C-G.
Other names: c.138G>C, p.Arg46Ser (NM_000068.4, NM_001127221.2, NM_001174080.2 and 1 more transcripts); short protein forms R46S.
Identifiers: ClinVar variation 4083351 (VCV004083351.1).